The following is an entry in ClinVar:

ClinVar aggregate classification (germline): Uncertain significance. Review status: criteria provided, multiple submitters, no conflicts (2 of 4 stars). 2 submissions from 2 submitters: Uncertain significance (2). Last evaluated 2023-06-09.

Conditions:
Progressive sclerosing poliodystrophy (MTDPS4A). Also called: NEURONAL DEGENERATION OF CHILDHOOD WITH LIVER DISEASE, PROGRESSIVE; Mitochondrial DNA Depletion Syndrome 4A; Alpers-Huttenlocher Syndrome (AHS); ALPERS PROGRESSIVE INFANTILE POLIODYSTROPHY; Alpers Syndrome; ALPERS DIFFUSE DEGENERATION OF CEREBRAL GRAY MATTER WITH HEPATIC CIRRHOSIS. Identifiers: Orphanet 726, MedGen C0205710, MONDO:0008758, OMIM 203700.

gnomAD v4.1: 1 of 1,611,036 alleles (0.000062%); no homozygotes.

Submissions (2):

Labcorp Genetics (formerly Invitae), Labcorp
Classification: Uncertain significance for Progressive sclerosing poliodystrophy. Last evaluated: 2023-06-09. Review status: criteria provided, single submitter. Criteria: Invitae Variant Classification Sherloc (09022015). Collection method: clinical testing. Allele origin: germline.
Comment: This sequence change replaces alanine, which is neutral and non-polar, with serine, which is neutral and polar, at codon 865 of the POLG protein (p.Ala865Ser). This variant is not present in population databases (gnomAD no frequency). This variant has not been reported in the literature in individuals affected with POLG-related conditions. ClinVar contains an entry for this variant (Variation ID: 805228). Advanced modeling of protein sequence and biophysical properties (such as structural, functional, and spatial information, amino acid conservation, physicochemical variation, residue mobility, and thermodynamic stability) performed at Invitae indicates that this missense variant is expected to disrupt POLG protein function. In summary, the available evidence is currently insufficient to determine the role of this variant in disease. Therefore, it has been classified as a Variant of Uncertain Significance.

Athena Diagnostics
Classification: Uncertain significance. Last evaluated: 2019-03-11. Review status: criteria provided, single submitter. Criteria: Athena Diagnostics Criteria. Collection method: clinical testing. Allele origin: germline.

NM_002693.3(POLG):c.2593G>T (p.Ala865Ser)

Gene: POLG (DNA polymerase gamma, catalytic subunit; minus strand). Cytogenetic location: 15q26.1.
Variant type: single nucleotide variant.
Coding change: c.2593G>T on transcript NM_002693.3 (MANE Select); coding-DNA position 2593, G replaced by T.
Protein change: p.Ala865Ser; replaces alanine 865 with serine.
Molecular consequence: missense variant.
Genome position (GRCh38, 1-based): chr15:89,321,741, C>A on the plus strand (G>T on the coding strand, the complement: POLG is on the minus strand). VCF-style: chr15-89321741-C-A. GRCh37 (hg19) VCF-style: chr15-89864972-C-A.
Other names: c.2593G>T, p.Ala865Ser (NM_001126131.2); short protein forms A865S.
Identifiers: ClinVar variation 805228 (VCV000805228.4), dbSNP rs1596352780, ClinGen allele CA393754153.
Genomic context (GRCh38, chr15:89,321,741, plus strand): 5'-TTTCTACAGACCTGGGAGAGGAAGAGCAGGGGCCAGAGGTACAGAGGTCACATACCCGGG[C>A]ATTGCTGGCGGTGAGCCATGTGGGCTCCACAGCCCGGCGAGTGATGGTGCCGGCAGTCAC-3'
Protein context (NP_002684.1, residues 855-875): VEPTWLTASN[Ala865Ser]RPDRVGSELK